The following is an entry in ClinVar:

ClinVar aggregate classification (germline): Likely benign (1 of 4 stars; one submission).

Submission:

GeneDx
Classification: Likely benign. Last evaluated: 2018-01-11. Review status: criteria provided, single submitter. Criteria: GeneDx Variant Classification (06012015). Collection method: clinical testing. Allele origin: germline. Affected: yes.
Comment: This variant is considered likely benign or benign based on one or more of the following criteria: it is a conservative change, it occurs at a poorly conserved position in the protein, it is predicted to be benign by multiple in silico algorithms, and/or has population frequency not consistent with disease.

NM_206926.2(SELENON):c.846C>T (p.His282=)

Gene: SELENON (selenoprotein N; plus strand). Cytogenetic location: 1p36.11.
Variant type: single nucleotide variant.
Coding change: c.846C>T on transcript NM_206926.2 (MANE Select); coding-DNA position 846, C replaced by T.
Protein change: p.His282=; no amino-acid change (histidine 282 retained).
Molecular consequence: synonymous variant.
Genome position (GRCh38, 1-based): chr1:25,809,758, C>T. VCF-style: chr1-25809758-C-T. GRCh37 (hg19) VCF-style: chr1-26136249-C-T.
Other names: c.948C>T, p.His316= (NM_020451.3).
Identifiers: ClinVar variation 514475 (VCV000514475.1), dbSNP rs1553120209, ClinGen allele CA416759183.